The following is an entry in ClinVar:

ClinVar aggregate classification (germline): Pathogenic (1 of 4 stars; one submission).

Conditions:
Fanconi anemia (FA). Also called: Fanconi's anemia. Identifiers: Orphanet 84, MedGen C0015625, MeSH D005199, MONDO:0019391.

Allele frequency attached by ClinVar (database versions not stated): gnomAD exomes below 0.00001.
gnomAD v4.1: 1 of 1,613,846 alleles (0.000062%); highest among the groups gnomAD compares: Non-Finnish European, 0.000085%; no homozygotes.

Submission:

Labcorp Genetics (formerly Invitae), Labcorp
Classification: Pathogenic for Fanconi anemia. Last evaluated: 2022-11-23. Review status: criteria provided, single submitter. Criteria: Invitae Variant Classification Sherloc (09022015). Collection method: clinical testing. Allele origin: germline.
Comment: For these reasons, this variant has been classified as Pathogenic. This variant has not been reported in the literature in individuals affected with FANCI-related conditions. This variant is not present in population databases (gnomAD no frequency). This sequence change creates a premature translational stop signal (p.Tyr469*) in the FANCI gene. It is expected to result in an absent or disrupted protein product. Loss-of-function variants in FANCI are known to be pathogenic (PMID: 17452773, 17460694).

Literature cited by the submitters: PubMed 17452773; PubMed 17460694.

NM_001113378.2(FANCI):c.1407T>G (p.Tyr469Ter)

Gene: FANCI (FA complementation group I; plus strand). Cytogenetic location: 15q26.1.
Variant type: single nucleotide variant.
Coding change: c.1407T>G on transcript NM_001113378.2 (MANE Select); coding-DNA position 1407, T replaced by G.
Protein change: p.Tyr469Ter; replaces tyrosine 469 with a stop codon.
Molecular consequence: nonsense.
Genome position (GRCh38, 1-based): chr15:89,281,195, T>G. VCF-style: chr15-89281195-T-G. GRCh37 (hg19) VCF-style: chr15-89824426-T-G.
Other names: c.1128T>G, p.Tyr376Ter (NM_001376910.1); c.1407T>G, p.Tyr469Ter (NM_001376911.1, NM_018193.3); short protein forms Y376*, Y469*.
Identifiers: ClinVar variation 2885960 (VCV002885960.3), dbSNP rs2053602176, ClinGen allele CA393743523.
Genomic context (GRCh38, chr15:89,281,195, plus strand): 5'-ATTTGAGACAACTGATTATAGATTCTGTTTTTCAGACCTGCTTTCAAATATCGTCATGTA[T>G]GCACCCTTAGTTCTTCAAAGTTGTTCTTCTAAAGTCACAGAAGCTTTTGACTATTTGTCC-3'